The following is an entry in ClinVar:

ClinVar aggregate classification (germline): Uncertain significance (1 of 4 stars; one submission).

Submission:

Labcorp Genetics (formerly Invitae), Labcorp
Classification: Uncertain significance. Last evaluated: 2022-01-08. Review status: criteria provided, single submitter. Criteria: Invitae Variant Classification Sherloc (09022015). Collection method: clinical testing. Allele origin: germline.
Comment: In summary, the available evidence is currently insufficient to determine the role of this variant in disease. Therefore, it has been classified as a Variant of Uncertain Significance. Experimental studies and prediction algorithms are not available or were not evaluated, and the functional significance of this variant is currently unknown. This variant has not been reported in the literature in individuals affected with GPR179-related conditions. This variant is not present in population databases (gnomAD no frequency). This sequence change creates a premature translational stop signal (p.Gln1641Alafs*82) in the GPR179 gene. While this is not anticipated to result in nonsense mediated decay, it is expected to disrupt the last 727 amino acid(s) of the GPR179 protein.

NM_001004334.4(GPR179):c.4920dup (p.Gln1641fs)

Gene: GPR179 (G protein-coupled receptor 179; minus strand). Cytogenetic location: 17q12.
Variant type: Duplication.
Coding change: c.4920dup on transcript NM_001004334.4 (MANE Select); coding-DNA position 4920, one base duplicated (G; older notation c.4920dupG).
Protein change: p.Gln1641fs; shifts the reading frame from glutamine 1641.
Molecular consequence: frameshift variant.
Genome position (GRCh38, 1-based): chr17:38,328,649, C duplicated on the plus strand (G on the coding strand, the reverse complement: GPR179 is on the minus strand); the first of 4 consecutive C bases (chr17:38,328,649-38,328,652); duplicating any one gives the same sequence. VCF-style (leftmost placement, unchanged base first): chr17-38328648-G-GC. GRCh37 (hg19) VCF-style: chr17-36484531-G-GC.
Other names: short protein forms Q1641fs.
Identifiers: ClinVar variation 2078015 (VCV002078015.4), dbSNP rs2512158273, ClinGen allele CA2580093610.